The following is an entry in ClinVar:

NM_004539.4(NARS1):c.1640C>T (p.Thr547Met)

Gene: NARS1 (asparaginyl-tRNA synthetase 1; minus strand). Cytogenetic location: 18q21.31.
Variant type: single nucleotide variant.
Coding change: c.1640C>T on transcript NM_004539.4 (MANE Select); coding-DNA position 1640, C replaced by T.
Protein change: p.Thr547Met; replaces threonine 547 with methionine.
Molecular consequence: missense variant.
Genome position (GRCh38, 1-based): chr18:57,601,659, G>A on the plus strand (C>T on the coding strand, the complement: NARS1 is on the minus strand). VCF-style: chr18-57601659-G-A. GRCh37 (hg19) VCF-style: chr18-55268891-G-A.
Other names: c.1640C>T (NM_004539.3); short protein forms T547M.
Identifiers: ClinVar variation 2648745 (VCV002648745.25), dbSNP rs764413867, ClinGen allele CA8973359.
Genomic context (GRCh38, chr18:57,601,659, plus strand): 5'-TTAAAGAGCCTGTTCCTTTCATAATCTTTCCTCCACGCTTCTGGAGAAAATGGTTATGGC[G>A]TGCAACGCTGGACAAATCGAGGGTATAAGCACACGTCTCGGATGTGATACCTATTCAGAA-3'
Protein context (NP_004530.1, residues 537-548): CLYPRFVQRC[Thr547Met]P

ClinVar aggregate classification (germline): Uncertain significance. Review status: criteria provided, multiple submitters, no conflicts (2 of 4 stars). 2 submissions from 2 submitters: Uncertain significance (2). Last evaluated 2024-01-03.

Allele frequency attached by ClinVar (database versions not stated): ExAC 0.00003; gnomAD 0.00005; TOPMed 0.00006; gnomAD exomes 0.00007.
gnomAD v4.1: 104 of 1,613,600 alleles (0.0064%); highest among the groups gnomAD compares: Non-Finnish European, 0.0082%; no homozygotes.

Submissions (2):

Ambry Genetics
Classification: Uncertain significance. Last evaluated: 2024-01-03. Review status: criteria provided, single submitter. Criteria: Ambry Variant Classification Scheme 2023. Collection method: clinical testing. Allele origin: germline.

CeGaT Center for Human Genetics Tuebingen
Classification: Uncertain significance. Last evaluated: 2023-09-01. Review status: criteria provided, single submitter. Criteria: CeGaT Center For Human Genetics Tuebingen Variant Classification Criteria Version 2. Collection method: clinical testing. Allele origin: germline. Affected: yes. Observed: 1 variant allele.
Comment: NARS1: PM2, BP4